The following is an entry in ClinVar:

NM_025132.4(WDR19):c.2632C>T (p.Arg878Cys)

Gene: WDR19 (WD repeat domain 19; plus strand). Cytogenetic location: 4p14.
Variant type: single nucleotide variant.
Coding change: c.2632C>T on transcript NM_025132.4 (MANE Select); coding-DNA position 2632, C replaced by T.
Protein change: p.Arg878Cys; replaces arginine 878 with cysteine.
Molecular consequence: missense variant.
Genome position (GRCh38, 1-based): chr4:39,244,539, C>T. VCF-style: chr4-39244539-C-T. GRCh37 (hg19) VCF-style: chr4-39246159-C-T.
Other names: c.2632C>T (NM_025132.3); c.2152C>T, p.Arg718Cys (NM_001317924.2); short protein forms R718C, R878C.
Identifiers: ClinVar variation 1389139 (VCV001389139.30), dbSNP rs770091572, ClinGen allele CA2892129.

ClinVar aggregate classification (germline): Uncertain significance. Review status: criteria provided, multiple submitters, no conflicts (2 of 4 stars). 5 submissions from 5 submitters: Uncertain significance (5). Last evaluated 2025-02-02.

Conditions:
Inborn genetic diseases. Identifiers: MedGen C0950123, MeSH D030342.
Nephronophthisis 13 (NPHP13). Identifiers: Orphanet 655, MedGen C3280612, MONDO:0013718, OMIM 614377.
Senior-Loken syndrome 8 (SLSN8). Identifiers: Orphanet 3156, MedGen C4225376, MONDO:0014579, OMIM 616307.
Asphyxiating thoracic dystrophy 5 (SRTD5). Also called: SHORT-RIB THORACIC DYSPLASIA 5 WITH OR WITHOUT POLYDACTYLY; SHORT-RIB THORACIC DYSPLASIA 5 WITHOUT POLYDACTYLY. Identifiers: Orphanet 474, MedGen C3280598, MONDO:0013717, OMIM 614376.
Cranioectodermal dysplasia 4 (CED4). Identifiers: Orphanet 1515, MedGen C3280616, MONDO:0013719, OMIM 614378.
Spermatogenic failure 72 (SPGF72). Identifiers: MedGen C5676980, MONDO:0030809, OMIM 619867.

Allele frequency attached by ClinVar (database versions not stated): TOPMed 0.00001; ExAC 0.00002; gnomAD 0.00003.
gnomAD v4.1: 55 of 1,613,846 alleles (0.0034%); highest among the groups gnomAD compares: Non-Finnish European, 0.0038%; no homozygotes.

Submissions (5):

Ambry Genetics
Classification: Uncertain significance for Inborn genetic diseases. Last evaluated: 2025-02-02. Review status: criteria provided, single submitter. Criteria: Ambry Variant Classification Scheme 2023. Collection method: clinical testing. Allele origin: germline.

Labcorp Genetics (formerly Invitae), Labcorp
Classification: Uncertain significance for Senior-Loken syndrome 8; Asphyxiating thoracic dystrophy 5. Last evaluated: 2024-10-15. Review status: criteria provided, single submitter. Criteria: Invitae Variant Classification Sherloc (09022015). Collection method: clinical testing. Allele origin: germline.
Comment: This sequence change replaces arginine, which is basic and polar, with cysteine, which is neutral and slightly polar, at codon 878 of the WDR19 protein (p.Arg878Cys). This variant is present in population databases (rs770091572, gnomAD 0.006%). This variant has not been reported in the literature in individuals affected with WDR19-related conditions. ClinVar contains an entry for this variant (Variation ID: 1389139). Invitae Evidence Modeling of protein sequence and biophysical properties (such as structural, functional, and spatial information, amino acid conservation, physicochemical variation, residue mobility, and thermodynamic stability) has been performed for this missense variant. However, the output from this modeling did not meet the statistical confidence thresholds required to predict the impact of this variant on WDR19 protein function. In summary, the available evidence is currently insufficient to determine the role of this variant in disease. Therefore, it has been classified as a Variant of Uncertain Significance.

Blueprint Genetics
Classification: Uncertain significance. Last evaluated: 2024-09-30. Review status: criteria provided, single submitter. Criteria: ACMG Guidelines, 2015. Collection method: clinical testing. Allele origin: germline.

Fulgent Genetics
Classification: Uncertain significance for Asphyxiating thoracic dystrophy 5; Nephronophthisis 13; Cranioectodermal dysplasia 4; Senior-Loken syndrome 8; Spermatogenic failure 72. Last evaluated: 2024-02-25. Review status: criteria provided, single submitter. Criteria: ACMG Guidelines, 2015. Collection method: clinical testing. Allele origin: germline.

CeGaT Center for Human Genetics Tuebingen
Classification: Uncertain significance. Last evaluated: 2023-09-01. Review status: criteria provided, single submitter. Criteria: CeGaT Center For Human Genetics Tuebingen Variant Classification Criteria Version 2. Collection method: clinical testing. Allele origin: germline. Affected: yes. Observed: 1 variant allele.
Comment: WDR19: PM2, PP3